The following is an entry in ClinVar:

ClinVar aggregate classification (germline): Pathogenic (1 of 4 stars; one submission).

Conditions:
Tuberous sclerosis 2 (TSC2). Identifiers: Orphanet 805, MedGen C1860707, MONDO:0013199, OMIM 613254.

Submission:

Oasi Research Institute-IRCCS
Classification: Pathogenic for Tuberous sclerosis 2. Review status: criteria provided, single submitter. Criteria: ACMG Guidelines, 2015. Collection method: research. Allele origin: de novo. Affected: yes.
Comment: A large deletion spanning from intron 1 to exon 8 was identified. This alteration likely results in the loss of multiple coding exons, ultimately causing loss of function of the gene.

NM_000548.5:c.(-106-?_-30+112)_(686_798)del

Gene: TSC2 (TSC complex subunit 2; plus strand).
Variant type: Deletion.
Other names: c.(-106-?_-30+112)_(686_798)del (NM_000548.5).
Identifiers: ClinVar variation 3777706 (VCV003777706.1).